The following is an entry in ClinVar:

NM_001378452.1(ITPR1):c.1450G>A (p.Val484Ile)

Gene: ITPR1 (inositol 1,4,5-trisphosphate receptor type 1; plus strand). Cytogenetic location: 3p26.1.
Variant type: single nucleotide variant.
Coding change: c.1450G>A on transcript NM_001378452.1 (MANE Select); coding-DNA position 1450, G replaced by A.
Protein change: p.Val484Ile; replaces valine 484 with isoleucine.
Molecular consequence: missense variant.
Genome position (GRCh38, 1-based): chr3:4,663,102, G>A. VCF-style: chr3-4663102-G-A. GRCh37 (hg19) VCF-style: chr3-4704786-G-A.
Other names: c.1450G>A, p.Val484Ile (NM_001099952.4); c.1405G>A, p.Val469Ile (NM_001168272.2, NM_002222.7); short protein forms V469I, V484I.
Identifiers: ClinVar variation 994628 (VCV000994628.9), dbSNP rs752031193, ClinGen allele CA2231196.

ClinVar aggregate classification (germline): Conflicting classifications of pathogenicity. Review status: criteria provided, conflicting classifications (1 of 4 stars). 4 submissions from 4 submitters: Uncertain significance (2); Likely benign (2). Last evaluated 2025-05-17.

Conditions:
Inborn genetic diseases. Identifiers: MedGen C0950123, MeSH D030342.

Allele frequency attached by ClinVar (database versions not stated): gnomAD exomes 0.00012 and 0.00006; gnomAD 0.00011 and 0.00013; TOPMed 0.00009; ExAC 0.00010.
gnomAD v4.1: 108 of 1,613,518 alleles (0.0067%); highest among the groups gnomAD compares: Admixed American, 0.0067%; no homozygotes.

Submissions (4):

Labcorp Genetics (formerly Invitae), Labcorp
Classification: Likely benign. Last evaluated: 2025-05-17. Review status: criteria provided, single submitter. Criteria: Invitae Variant Classification Sherloc (09022015). Collection method: clinical testing. Allele origin: germline.

Ambry Genetics
Classification: Uncertain significance for Inborn genetic diseases. Last evaluated: 2024-09-04. Review status: criteria provided, single submitter. Criteria: Ambry Variant Classification Scheme 2023. Collection method: clinical testing. Allele origin: germline.

GeneDx
Classification: Uncertain significance. Last evaluated: 2021-06-09. Review status: criteria provided, single submitter. Criteria: GeneDx Variant Classification Process June 2021. Collection method: clinical testing. Allele origin: germline. Affected: yes.
Comment: Has not been previously published as pathogenic or benign to our knowledge; In silico analysis supports that this missense variant does not alter protein structure/function; This variant is associated with the following publications: (PMID: 27535533)

Athena Diagnostics
Classification: Likely benign. Last evaluated: 2020-09-03. Review status: criteria provided, single submitter. Criteria: Athena Diagnostics criteria. Collection method: clinical testing. Allele origin: unknown.